The following is an entry in ClinVar:

ClinVar aggregate classification (germline): Uncertain significance (1 of 4 stars; one submission).

Allele frequency attached by ClinVar (database versions not stated): TOPMed below 0.00001.

Submission:

CeGaT Center for Human Genetics Tuebingen
Classification: Uncertain significance. Last evaluated: 2023-07-01. Review status: criteria provided, single submitter. Criteria: CeGaT Center For Human Genetics Tuebingen Variant Classification Criteria Version 2. Collection method: clinical testing. Allele origin: germline. Affected: yes. Observed: 1 variant allele.
Comment: SPECC1L: PM2, BP4

NM_015330.6(SPECC1L):c.2218C>T (p.Arg740Trp)

Genes: SPECC1L (sperm antigen with calponin homology and coiled-coil domains 1 like; plus strand), SPECC1L-ADORA2A (SPECC1L-ADORA2A readthrough (NMD candidate); plus strand). Cytogenetic location: 22q11.23.
Variant type: single nucleotide variant.
Coding change: c.2218C>T on transcript NM_015330.6 (MANE Select); coding-DNA position 2218, C replaced by T.
Protein change: p.Arg740Trp; replaces arginine 740 with tryptophan.
Molecular consequence: missense variant. On other transcripts: non-coding transcript variant (1).
Genome position (GRCh38, 1-based): chr22:24,328,917, C>T. VCF-style: chr22-24328917-C-T. GRCh37 (hg19) VCF-style: chr22-24724885-C-T.
Other names: c.2218C>T, p.Arg740Trp (NM_001145468.4, NM_001254732.3); short protein forms R740W.
Identifiers: ClinVar variation 2652997 (VCV002652997.24), dbSNP rs200485910, ClinGen allele CA322653580.